The following is an entry in ClinVar:

ClinVar aggregate classification (germline): Likely pathogenic (1 of 4 stars; one submission).

Conditions:
Argininosuccinate lyase deficiency. Also called: ARGININOSUCCINIC ACID LYASE DEFICIENCY; ASL DEFICIENCY; Argininosuccinic aciduria. Identifiers: Orphanet 23, MedGen C0268547, MONDO:0008815, OMIM 207900, HP:0025630.

Allele frequency attached by ClinVar (database versions not stated): TOPMed below 0.00001.

Submission:

Labcorp Genetics (formerly Invitae), Labcorp
Classification: Likely pathogenic for Argininosuccinate lyase deficiency. Last evaluated: 2023-07-25. Review status: criteria provided, single submitter. Criteria: Invitae Variant Classification Sherloc (09022015). Collection method: clinical testing. Allele origin: germline.
Comment: In summary, the currently available evidence indicates that the variant is pathogenic, but additional data are needed to prove that conclusively. Therefore, this variant has been classified as Likely Pathogenic. Algorithms developed to predict the effect of sequence changes on RNA splicing suggest that this variant may disrupt the consensus splice site. This variant has not been reported in the literature in individuals affected with ASL-related conditions. This variant is not present in population databases (gnomAD no frequency). This sequence change affects a donor splice site in intron 10 of the ASL gene. It is expected to disrupt RNA splicing. Variants that disrupt the donor or acceptor splice site typically lead to a loss of protein function (PMID: 16199547), and loss-of-function variants in ASL are known to be pathogenic (PMID: 2263616, 24166829).

Literature cited by the submitters: PubMed 16199547; PubMed 2263616; PubMed 24166829.

NM_000048.4(ASL):c.718+1G>A

Gene: ASL (argininosuccinate lyase; plus strand). Cytogenetic location: 7q11.21.
Variant type: single nucleotide variant.
Coding change: c.718+1G>A on transcript NM_000048.4 (MANE Select); the canonical splice donor site of the intron after coding-DNA position 718, G replaced by A.
Molecular consequence: splice donor variant.
Genome position (GRCh38, 1-based): chr7:66,087,792, G>A. VCF-style: chr7-66087792-G-A. GRCh37 (hg19) VCF-style: chr7-65552779-G-A.
Other names: c.718+1G>A (NM_001024943.2, NM_001024944.2); c.640+1G>A (NM_001024946.2).
Identifiers: ClinVar variation 2867298 (VCV002867298.3), dbSNP rs1786714587, ClinGen allele CA367644945.